The following is an entry in ClinVar:

NM_001012759.3(CTU2):c.1271C>T (p.Thr424Ile)

Gene: CTU2 (cytosolic thiouridylase subunit 2; plus strand). Cytogenetic location: 16q24.3.
Variant type: single nucleotide variant.
Coding change: c.1271C>T on transcript NM_001012759.3 (MANE Select); coding-DNA position 1271, C replaced by T.
Protein change: p.Thr424Ile; replaces threonine 424 with isoleucine.
Molecular consequence: missense variant.
Genome position (GRCh38, 1-based): chr16:88,714,656, C>T. VCF-style: chr16-88714656-C-T. GRCh37 (hg19) VCF-style: chr16-88781064-C-T.
Other names: c.1271C>T (NM_001012759.2); c.1271C>T, p.Thr424Ile (NM_001012762.3); c.1484C>T, p.Thr495Ile (NM_001318507.2); c.1010C>T, p.Thr337Ile (NM_001318513.2); short protein forms T337I, T424I, T495I.
Identifiers: ClinVar variation 2360204 (VCV002360204.5), dbSNP rs373776054, ClinGen allele CA8230985.

ClinVar aggregate classification (germline): Conflicting classifications of pathogenicity. Review status: criteria provided, conflicting classifications (1 of 4 stars). 3 submissions from 3 submitters: Uncertain significance (2); Likely benign (1). Last evaluated 2026-07-01.

Conditions:
CTU2-related disorder. Also called: CTU2-related condition.

Allele frequency attached by ClinVar (database versions not stated): gnomAD 0.00025; TOPMed 0.00027; ESP Exome Variant Server 0.00054; ExAC 0.00023.
gnomAD v4.1: 810 of 1,612,506 alleles (0.05%); highest among the groups gnomAD compares: Non-Finnish European, 0.064%; no homozygotes.

Submissions (3):

CeGaT Center for Human Genetics Tuebingen
Classification: Likely benign. Last evaluated: 2026-07-01. Review status: criteria provided, single submitter. Criteria: CeGaT Center For Human Genetics Tuebingen Variant Classification Criteria Version 2. Collection method: clinical testing. Allele origin: germline. Affected: yes. Observed: 1 variant allele.
Comment: CTU2: BP4

PreventionGenetics, part of Exact Sciences
Classification: Uncertain significance for CTU2-related condition. Last evaluated: 2025-01-07. Review status: criteria provided, single submitter. Criteria: ACMG Guidelines, 2015. Collection method: clinical testing. Allele origin: germline.
Comment: The CTU2 c.1271C>T variant is predicted to result in the amino acid substitution p.Thr424Ile. To our knowledge, this variant has not been reported in the literature. This variant is reported in 0.045% of alleles in individuals of European (Non-Finnish) descent in gnomAD. At this time, the clinical significance of this variant is uncertain due to the absence of conclusive functional and genetic evidence.

Ambry Genetics
Classification: Uncertain significance. Last evaluated: 2024-09-03. Review status: criteria provided, single submitter. Criteria: Ambry Variant Classification Scheme 2023. Collection method: clinical testing. Allele origin: germline.